The following is an entry in ClinVar:

NM_018975.4(TERF2IP):c.170A>G (p.Gln57Arg)

Gene: TERF2IP (TERF2 interacting protein; plus strand). Cytogenetic location: 16q23.1.
Variant type: single nucleotide variant.
Coding change: c.170A>G on transcript NM_018975.4 (MANE Select); coding-DNA position 170, A replaced by G.
Protein change: p.Gln57Arg; replaces glutamine 57 with arginine.
Molecular consequence: missense variant. On other transcripts: non-coding transcript variant (1).
Genome position (GRCh38, 1-based): chr16:75,648,052, A>G. VCF-style: chr16-75648052-A-G. GRCh37 (hg19) VCF-style: chr16-75681950-A-G.
Other names: short protein forms Q57R.
Identifiers: ClinVar variation 1778517 (VCV001778517.2), dbSNP rs2507072794, ClinGen allele CA396817365.

ClinVar aggregate classification (germline): Uncertain significance (1 of 4 stars; one submission).

Submission:

Ambry Genetics
Classification: Uncertain significance. Last evaluated: 2023-11-10. Review status: criteria provided, single submitter. Criteria: Ambry Variant Classification Scheme 2023. Collection method: clinical testing. Allele origin: germline.
Comment: The p.Q57R variant (also known as c.170A>G), located in coding exon 1 of the TERF2IP gene, results from an A to G substitution at nucleotide position 170. The glutamine at codon 57 is replaced by arginine, an amino acid with highly similar properties. This amino acid position is conserved. In addition, the in silico prediction for this alteration is inconclusive. Since supporting evidence is limited at this time, the clinical significance of this alteration remains unclear.